The following is an entry in ClinVar:

ClinVar aggregate classification (germline): Uncertain significance (1 of 4 stars; one submission).

Conditions:
Intellectual disability, autosomal recessive 53 (NEDHSCA). Also called: GLYCOSYLPHOSPHATIDYLINOSITOL BIOSYNTHESIS DEFECT 13; Mental retardation, autosomal recessive 53; NEURODEVELOPMENTAL DISORDER WITH OR WITHOUT HYPOTONIA, SEIZURES, AND CEREBELLAR ATROPHY. Identifiers: Orphanet 488635, MedGen C4310794, MONDO:0014832, OMIM 616917.

gnomAD v4.1: 1 of 1,609,414 alleles (0.000062%); highest among the groups gnomAD compares: Non-Finnish European, 0.000085%; no homozygotes.

Submission:

Labcorp Genetics (formerly Invitae), Labcorp
Classification: Uncertain significance for Intellectual disability, autosomal recessive 53. Last evaluated: 2022-08-12. Review status: criteria provided, single submitter. Criteria: Invitae Variant Classification Sherloc (09022015). Collection method: clinical testing. Allele origin: germline.
Comment: In summary, the available evidence is currently insufficient to determine the role of this variant in disease. Therefore, it has been classified as a Variant of Uncertain Significance. Algorithms developed to predict the effect of missense changes on protein structure and function are either unavailable or do not agree on the potential impact of this missense change (SIFT: "Tolerated"; PolyPhen-2: "Probably Damaging"; Align-GVGD: "Class C0"). This variant has not been reported in the literature in individuals affected with PIGG-related conditions. This variant is not present in population databases (gnomAD no frequency). This sequence change replaces glycine, which is neutral and non-polar, with serine, which is neutral and polar, at codon 850 of the PIGG protein (p.Gly850Ser).

NM_001127178.3(PIGG):c.2548G>A (p.Gly850Ser)

Gene: PIGG (phosphatidylinositol glycan anchor biosynthesis class G (EMM blood group); plus strand). Cytogenetic location: 4p16.3.
Variant type: single nucleotide variant.
Coding change: c.2548G>A on transcript NM_001127178.3 (MANE Select); coding-DNA position 2548, G replaced by A.
Protein change: p.Gly850Ser; replaces glycine 850 with serine.
Molecular consequence: missense variant. On other transcripts: non-coding transcript variant (6).
Genome position (GRCh38, 1-based): chr4:530,722, G>A. VCF-style: chr4-530722-G-A. GRCh37 (hg19) VCF-style: chr4-524511-G-A.
Other names: c.2281G>A, p.Gly761Ser (NM_001289051.2, NM_001345986.2); c.2149G>A, p.Gly717Ser (NM_001289052.2); c.2257G>A, p.Gly753Ser (NM_001345987.2); c.1519G>A, p.Gly507Ser (NM_001345988.2); c.1015G>A, p.Gly339Ser (NM_001345990.2, NM_001345991.2); c.1450G>A, p.Gly484Ser (NM_001345994.2); c.2524G>A, p.Gly842Ser (NM_017733.5); short protein forms G484S, G717S, G842S, G339S, G507S, G753S, G850S, G761S.
Identifiers: ClinVar variation 2111872 (VCV002111872.4), dbSNP rs2475055044, ClinGen allele CA355910404.
Genomic context (GRCh38, chr4:530,722, plus strand): 5'-TTCATCTGGAAGCCCCTGAGACACGATGCAGCTGAGATTACTGTGATGCATTATTGGTTT[G>A]GTCAAGCATTCTTCTATTTTCAGGTAGGTTTTCATTATTATCATGGGTAGTAGACTTCAT-3'
Protein context (NP_001120650.1, residues 840-860): AEITVMHYWF[Gly850Ser]QAFFYFQGNS